The following is an entry in ClinVar:

NM_001366145.2(TRPM3):c.3959C>T (p.Thr1320Ile)

Genes: KLF9-DT (KLF9 divergent transcript; plus strand), TRPM3 (transient receptor potential cation channel subfamily M member 3; minus strand). Cytogenetic location: 9q21.12.
Variant type: single nucleotide variant.
Coding change: c.3959C>T on transcript NM_001366145.2 (MANE Select); coding-DNA position 3959, C replaced by T.
Protein change: p.Thr1320Ile; replaces threonine 1320 with isoleucine.
Molecular consequence: missense variant.
Genome position (GRCh38, 1-based): chr9:70,537,154, G>A on the plus strand (C>T on the coding strand, the complement: TRPM3 is on the minus strand). VCF-style: chr9-70537154-G-A. GRCh37 (hg19) VCF-style: chr9-73152070-G-A.
Other names: c.3923C>T, p.Thr1308Ile (NM_001007471.4, NM_001366151.2); c.3929C>T, p.Thr1310Ile (NM_001366141.2, NM_001366143.2, NM_001366149.2); c.3965C>T, p.Thr1322Ile (NM_001366142.2); c.3959C>T, p.Thr1320Ile (NM_001366146.2); c.4034C>T, p.Thr1345Ile (NM_001366147.2, NM_001366152.2); c.4004C>T, p.Thr1335Ile (NM_001366148.2); c.3893C>T, p.Thr1298Ile (NM_001366150.2); c.3500C>T, p.Thr1167Ile (NM_001366154.2, NM_024971.7); and 5 more; short protein forms T1145I, T1155I, T1157I, T1167I, T1170I, T1180I, T1298I, T1308I.
Identifiers: ClinVar variation 3905586 (VCV003905586.10).
Genomic context (GRCh38, chr9:70,537,154, plus strand): 5'-GGAGAAGTTGGGGACATGGTCTCCTCACCTGCAGGGTCTATACTCTCTTGGAGCTTGAAG[G>A]TGTTCCCTTCCTGGCTGTTGAAGCTGCTCTGACGGACAATGTAGGCGGCGTCCGTGCAGT-3'
Protein context (NP_001353074.1, residues 1310-1330): QSSFNSQEGN[Thr1320Ile]FKLQESIDPA

ClinVar aggregate classification (germline): Uncertain significance (1 of 4 stars; one submission).

gnomAD v4.1: 1 of 1,590,008 alleles (0.000063%); highest among the groups gnomAD compares: Non-Finnish European, 0.000086%; no homozygotes.

Submission:

CeGaT Center for Human Genetics Tuebingen
Classification: Uncertain significance. Last evaluated: 2025-05-01. Review status: criteria provided, single submitter. Criteria: CeGaT Center For Human Genetics Tuebingen Variant Classification Criteria Version 2. Collection method: clinical testing. Allele origin: germline. Affected: yes. Observed: 1 variant allele.
Comment: TRPM3: PM2, BP4